The following is an entry in ClinVar:

NM_001556.3(IKBKB):c.812A>C (p.Glu271Ala)

Gene: IKBKB (inhibitor of nuclear factor kappa B kinase subunit beta; plus strand). Cytogenetic location: 8p11.21.
Variant type: single nucleotide variant.
Coding change: c.812A>C on transcript NM_001556.3 (MANE Select); coding-DNA position 812, A replaced by C.
Protein change: p.Glu271Ala; replaces glutamic acid 271 with alanine.
Molecular consequence: missense variant. On other transcripts: non-coding transcript variant (3).
Genome position (GRCh38, 1-based): chr8:42,316,221, A>C. VCF-style: chr8-42316221-A-C. GRCh37 (hg19) VCF-style: chr8-42173739-A-C.
Other names: c.620A>C, p.Glu207Ala (NM_001190720.3); c.635A>C, p.Glu212Ala (NM_001242778.2); c.812A>C (NM_001556.2); short protein forms E207A, E212A, E271A.
Identifiers: ClinVar variation 2739129 (VCV002739129.6), dbSNP rs953039928, ClinGen allele CA175968617.

ClinVar aggregate classification (germline): Uncertain significance. Review status: criteria provided, multiple submitters, no conflicts (2 of 4 stars). 4 submissions from 4 submitters: Uncertain significance (4). Last evaluated 2026-01-23.

Conditions:
Severe combined immunodeficiency due to IKK2 deficiency. Also called: IMMUNODEFICIENCY 15B; Immunodeficiency 15. Identifiers: Orphanet 397787, MedGen C4747743, MONDO:0014267, OMIM 615592.
Inborn genetic diseases. Identifiers: MedGen C0950123, MeSH D030342.

Allele frequency attached by ClinVar (database versions not stated): TOPMed 0.00001; gnomAD 0.00002; gnomAD exomes 0.00002.
gnomAD v4.1: 37 of 1,613,972 alleles (0.0023%); highest among the groups gnomAD compares: Non-Finnish European, 0.0031%; no homozygotes.

Submissions (4):

Women's Health and Genetics/Laboratory Corporation of America, LabCorp
Classification: Uncertain significance. Last evaluated: 2026-01-23. Review status: criteria provided, single submitter. Criteria: LabCorp Variant Classification Summary - May 2015. Collection method: clinical testing. Allele origin: germline.

Labcorp Genetics (formerly Invitae), Labcorp
Classification: Uncertain significance for Severe combined immunodeficiency due to IKK2 deficiency. Last evaluated: 2025-06-24. Review status: criteria provided, single submitter. Criteria: Invitae Variant Classification Sherloc (09022015). Collection method: clinical testing. Allele origin: germline.
Comment: This sequence change replaces glutamic acid, which is acidic and polar, with alanine, which is neutral and non-polar, at codon 271 of the IKBKB protein (p.Glu271Ala). This variant is present in population databases (no rsID available, gnomAD 0.003%). This variant has not been reported in the literature in individuals affected with IKBKB-related conditions. ClinVar contains an entry for this variant (Variation ID: 2739129). Invitae Evidence Modeling of protein sequence and biophysical properties (such as structural, functional, and spatial information, amino acid conservation, physicochemical variation, residue mobility, and thermodynamic stability) indicates that this missense variant is not expected to disrupt IKBKB protein function with a negative predictive value of 95%. In summary, the available evidence is currently insufficient to determine the role of this variant in disease. Therefore, it has been classified as a Variant of Uncertain Significance.

Ambry Genetics
Classification: Uncertain significance for Inborn genetic diseases. Last evaluated: 2024-11-13. Review status: criteria provided, single submitter. Criteria: Ambry Variant Classification Scheme 2023. Collection method: clinical testing. Allele origin: germline.

Blueprint Genetics
Classification: Uncertain significance. Last evaluated: 2024-02-01. Review status: criteria provided, single submitter. Criteria: ACMG Guidelines, 2015. Collection method: clinical testing. Allele origin: germline.